The following is an entry in ClinVar:

ClinVar aggregate classification (germline): Uncertain significance (1 of 4 stars; one submission).

Conditions:
Multiple endocrine neoplasia, type 1 (MEN1). Also called: MEN I; WERMER SYNDROME; Endocrine adenomatosis multiple; MEN 1; MEA I. Identifiers: Orphanet 652, MedGen C0025267, MeSH D018761, MONDO:0007540, OMIM 131100.

Submission:

Labcorp Genetics (formerly Invitae), Labcorp
Classification: Uncertain significance for Multiple endocrine neoplasia, type 1. Last evaluated: 2023-06-30. Review status: criteria provided, single submitter. Criteria: Invitae Variant Classification Sherloc (09022015). Collection method: clinical testing. Allele origin: germline.
Comment: This sequence change replaces proline, which is neutral and non-polar, with arginine, which is basic and polar, at codon 540 of the MEN1 protein (p.Pro540Arg). This variant is not present in population databases (gnomAD no frequency). This variant has not been reported in the literature in individuals affected with MEN1-related conditions. ClinVar contains an entry for this variant (Variation ID: 1383911). Advanced modeling of protein sequence and biophysical properties (such as structural, functional, and spatial information, amino acid conservation, physicochemical variation, residue mobility, and thermodynamic stability) performed at Invitae indicates that this missense variant is expected to disrupt MEN1 protein function. In summary, the available evidence is currently insufficient to determine the role of this variant in disease. Therefore, it has been classified as a Variant of Uncertain Significance.

NM_001370259.2(MEN1):c.1619C>G (p.Pro540Arg)

Gene: MEN1 (menin 1; minus strand). Cytogenetic location: 11q13.1.
Variant type: single nucleotide variant.
Coding change: c.1619C>G on transcript NM_001370259.2 (MANE Select); coding-DNA position 1619, C replaced by G.
Protein change: p.Pro540Arg; replaces proline 540 with arginine.
Molecular consequence: missense variant.
Genome position (GRCh38, 1-based): chr11:64,804,548, G>C on the plus strand (C>G on the coding strand, the complement: MEN1 is on the minus strand). VCF-style: chr11-64804548-G-C. GRCh37 (hg19) VCF-style: chr11-64572020-G-C.
Other names: c.1619C>G, p.Pro540Arg (NM_130799.3, NM_001370260.2, NM_001370261.2); c.1634C>G, p.Pro545Arg (NM_130800.3, NM_130801.3, NM_130802.3 and 3 more transcripts); c.1745C>G, p.Pro582Arg (NM_001370251.2); c.1514C>G, p.Pro505Arg (NM_001370262.2, NM_001370263.2); short protein forms P545R, P582R, P505R, P540R.
Identifiers: ClinVar variation 1383911 (VCV001383911.6), dbSNP rs780844361, ClinGen allele CA381178069.